The following is an entry in ClinVar:

ClinVar aggregate classification (germline): Uncertain significance (1 of 4 stars; one submission).

Submission:

Labcorp Genetics (formerly Invitae), Labcorp
Classification: Uncertain significance. Last evaluated: 2021-10-24. Review status: criteria provided, single submitter. Criteria: Invitae Variant Classification Sherloc (09022015). Collection method: clinical testing. Allele origin: germline.
Comment: This variant is not present in population databases (gnomAD no frequency). This variant, c.1753_1755del, results in the deletion of 1 amino acid(s) of the ACO2 protein (p.Leu585del), but otherwise preserves the integrity of the reading frame. This variant has not been reported in the literature in individuals affected with ACO2-related conditions. In summary, the available evidence is currently insufficient to determine the role of this variant in disease. Therefore, it has been classified as a Variant of Uncertain Significance. Experimental studies and prediction algorithms are not available or were not evaluated, and the functional significance of this variant is currently unknown.

NM_001098.3(ACO2):c.1753_1755del (p.Leu585del)

Gene: ACO2 (aconitase 2; plus strand). Cytogenetic location: 22q13.2.
Variant type: Deletion.
Coding change: c.1753_1755del on transcript NM_001098.3 (MANE Select); coding-DNA positions 1753 to 1755, 3 bases deleted (CTC; older notation c.1753_1755delCTC).
Protein change: p.Leu585del; deletes leucine 585.
Molecular consequence: inframe deletion.
Genome position (GRCh38, 1-based): chr22:41,525,340-41,525,342, CTC deleted; deleting any 3 consecutive bases within chr22:41,525,338-41,525,342 gives the same sequence; the c. name uses the placement nearest the transcript's 3' end. VCF-style (leftmost placement, unchanged base first): chr22-41525337-ATCC-A. GRCh37 (hg19) VCF-style: chr22-41921341-ATCC-A.
Other names: short protein forms L585del.
Identifiers: ClinVar variation 1389048 (VCV001389048.6), dbSNP rs2146140242, ClinGen allele CA2573158220.